The following is an entry in ClinVar:

NM_000787.4(DBH):c.958G>A (p.Gly320Arg)

Gene: DBH (dopamine beta-hydroxylase; plus strand). Cytogenetic location: 9q34.2.
Variant type: single nucleotide variant.
Coding change: c.958G>A on transcript NM_000787.4 (MANE Select); coding-DNA position 958, G replaced by A.
Protein change: p.Gly320Arg; replaces glycine 320 with arginine.
Molecular consequence: missense variant.
Genome position (GRCh38, 1-based): chr9:133,644,254, G>A. VCF-style: chr9-133644254-G-A. GRCh37 (hg19) VCF-style: chr9-136509376-G-A.
Other names: short protein forms G320R.
Identifiers: ClinVar variation 840925 (VCV000840925.10), dbSNP rs896285959, ClinGen allele CA200963905.

ClinVar aggregate classification (germline): Uncertain significance. Review status: criteria provided, multiple submitters, no conflicts (2 of 4 stars). 2 submissions from 2 submitters: Uncertain significance (2). Last evaluated 2023-06-29.

Conditions:
Inborn genetic diseases. Identifiers: MedGen C0950123, MeSH D030342.
Orthostatic hypotension 1 (ORTHYP1). Also called: Dopamine beta-hydroxylase deficiency; NORADRENALINE DEFICIENCY; NOREPINEPHRINE DEFICIENCY; Orthostatic hypotension 1, due to DBH deficiency. Identifiers: Orphanet 230, MedGen C4746777, MONDO:0009123, OMIM 223360.

Allele frequency attached by ClinVar (database versions not stated): gnomAD exomes 0.00001; TOPMed 0.00002; gnomAD 0.00003 and 0.00004.
gnomAD v4.1: 19 of 1,613,984 alleles (0.0012%); highest among the groups gnomAD compares: African/African-American, 0.0053%; no homozygotes.

Submissions (2):

Ambry Genetics
Classification: Uncertain significance for Inborn genetic diseases. Last evaluated: 2023-06-29. Review status: criteria provided, single submitter. Criteria: Ambry Variant Classification Scheme 2023. Collection method: clinical testing. Allele origin: germline.

Labcorp Genetics (formerly Invitae), Labcorp
Classification: Uncertain significance for Orthostatic hypotension 1. Last evaluated: 2022-06-13. Review status: criteria provided, single submitter. Criteria: Invitae Variant Classification Sherloc (09022015). Collection method: clinical testing. Allele origin: germline.
Comment: In summary, the available evidence is currently insufficient to determine the role of this variant in disease. Therefore, it has been classified as a Variant of Uncertain Significance. Algorithms developed to predict the effect of sequence changes on RNA splicing suggest that this variant may disrupt the consensus splice site. Algorithms developed to predict the effect of missense changes on protein structure and function (SIFT, PolyPhen-2, Align-GVGD) all suggest that this variant is likely to be disruptive. ClinVar contains an entry for this variant (Variation ID: 840925). This variant has not been reported in the literature in individuals affected with DBH-related conditions. This variant is not present in population databases (gnomAD no frequency). This sequence change replaces glycine, which is neutral and non-polar, with arginine, which is basic and polar, at codon 320 of the DBH protein (p.Gly320Arg).